The following is an entry in ClinVar:

NM_001083926.2(ASRGL1):c.432C>A (p.Asn144Lys)

Gene: ASRGL1 (asparaginase and isoaspartyl peptidase 1; plus strand). Cytogenetic location: 11q12.3.
Variant type: single nucleotide variant.
Coding change: c.432C>A on transcript NM_001083926.2 (MANE Select); coding-DNA position 432, C replaced by A.
Protein change: p.Asn144Lys; replaces asparagine 144 with lysine.
Molecular consequence: missense variant.
Genome position (GRCh38, 1-based): chr11:62,357,085, C>A. VCF-style: chr11-62357085-C-A. GRCh37 (hg19) VCF-style: chr11-62124557-C-A.
Other names: c.432C>A, p.Asn144Lys (NM_001441216.1, NM_001441217.1, NM_025080.4); short protein forms N144K.
Identifiers: ClinVar variation 4765813 (VCV004765813.1).

ClinVar aggregate classification (germline): Uncertain significance (1 of 4 stars; one submission).

gnomAD v4.1: 2 of 1,613,966 alleles (0.00012%); highest among the groups gnomAD compares: Non-Finnish European, 0.00017%; no homozygotes.

Submission:

Labcorp Genetics (formerly Invitae), Labcorp
Classification: Uncertain significance. Last evaluated: 2025-03-16. Review status: criteria provided, single submitter. Criteria: Invitae Variant Classification Sherloc (09022015). Collection method: clinical testing. Allele origin: germline.
Comment: This sequence change replaces asparagine, which is neutral and polar, with lysine, which is basic and polar, at codon 144 of the ASRGL1 protein (p.Asn144Lys). This variant is not present in population databases (gnomAD no frequency). This variant has not been reported in the literature in individuals affected with ASRGL1-related conditions. An algorithm developed to predict the effect of missense changes on protein structure and function (PolyPhen-2) suggests that this variant is likely to be tolerated. In summary, the available evidence is currently insufficient to determine the role of this variant in disease. Therefore, it has been classified as a Variant of Uncertain Significance.